The following is an entry in ClinVar:

ClinVar aggregate classification (germline): Uncertain significance (1 of 4 stars; one submission).

Submission:

GeneDx
Classification: Uncertain significance. Last evaluated: 2017-08-29. Review status: criteria provided, single submitter. Criteria: GeneDx Variant Classification (06012015). Collection method: clinical testing. Allele origin: germline. Affected: yes.
Comment: The c.486-5delC variant in the EBF3 gene has not been reported previously as a pathogenic variant nor as a benign variant, to our knowledge. This variant results in the deletion of one nucleotide. It is predicted to destroy or damage the splice acceptor site in intron 5 and may cause abnormal gene splicing. However, in the absence of RNA/functional studies, the actual effect of c.486-5delC in this individual is unknown. The c.486-5delC variant is not observed in large population cohorts (Lek et al., 2016; 1000 Genomes Consortium et al., 2015; Exome Variant Server). We interpret c.486-5delC as a variant of uncertain significance, which may be related to the clinical features reported in this individual.

NM_001375380.1(EBF3):c.486-5del

Gene: EBF3 (EBF transcription factor 3; minus strand). Cytogenetic location: 10q26.3.
Variant type: Deletion.
Coding change: c.486-5del on transcript NM_001375380.1 (MANE Select); 5 bases into the intron before coding-DNA position 486, one base deleted (C; older notation c.486-5delC).
Molecular consequence: intron variant.
Genome position (GRCh38, 1-based): chr10:129,957,331, G deleted on the plus strand (C on the coding strand, the reverse complement: EBF3 is on the minus strand); the first of 2 consecutive G bases (chr10:129,957,331-129,957,332); deleting either gives the same sequence. VCF-style (leftmost placement, unchanged base first): chr10-129957330-TG-T. GRCh37 (hg19) VCF-style: chr10-131755594-TG-T.
Other names: c.486-5del (NM_001375392.1, NM_001005463.3, NM_001375390.1 and 3 more transcripts); c.486-5delC (NM_001005463.2).
Identifiers: ClinVar variation 451823 (VCV000451823.2), dbSNP rs1554934917, ClinGen allele CA658658023.
Genomic context (GRCh38, chr10:129,957,330, plus strand): 5'-ACAGGGTCTGAGGGCGTTTCGTTTCTATTGCCACAACTTTTCTTGTCACAGCACCGGCTG[TG>T]GAGCAATTGTAAACAGTGGTTTTAATATGCATTTCCCCCTTTTATGCCCGACTTGTATTT-3'